The following is an entry in ClinVar:

NM_014738.6(TMEM94):c.4061C>T (p.Ser1354Phe)

Gene: TMEM94 (transmembrane protein 94; plus strand). Cytogenetic location: 17q25.1.
Variant type: single nucleotide variant.
Coding change: c.4061C>T on transcript NM_014738.6 (MANE Select); coding-DNA position 4061, C replaced by T.
Protein change: p.Ser1354Phe; replaces serine 1354 with phenylalanine.
Molecular consequence: missense variant.
Genome position (GRCh38, 1-based): chr17:75,499,324, C>T. VCF-style: chr17-75499324-C-T. GRCh37 (hg19) VCF-style: chr17-73495405-C-T.
Other names: c.4091C>T, p.Ser1364Phe (NM_001438844.1, NM_001321148.2); c.4070C>T, p.Ser1357Phe (NM_001438845.1); c.4043C>T, p.Ser1348Phe (NM_001438846.1); c.3983C>T, p.Ser1328Phe (NM_001438847.1); c.3974C>T, p.Ser1325Phe (NM_001438848.1); c.4073C>T, p.Ser1358Phe (NM_001321149.2); c.4013C>T, p.Ser1338Phe (NM_001351202.2); c.4088C>T, p.Ser1363Phe (NM_001351203.2); and 2 more; short protein forms S1325F, S1328F, S1338F, S1348F, S1354F, S1357F, S1358F, S1363F.
Identifiers: ClinVar variation 4076261 (VCV004076261.1).
Genomic context (GRCh38, chr17:75,499,324, plus strand): 5'-TCCGAGTCCGCTACCAGAAGCGACAGAAGCTGCAGTTTGAAACTAAGCTGGGCATGAACT[C>T]TCCCTTCTGAGCCACTGGCTGTGGTGGCTGTAGTTGCCCCCGTCCCTGGGGCTAAAGCCA-3'
Protein context (NP_055553.3, residues 1344-1356): LQFETKLGMN[Ser1354Phe]PF

ClinVar aggregate classification (germline): Uncertain significance (1 of 4 stars; one submission).

Conditions:
Intellectual developmental disorder with cardiac defects and dysmorphic facies (IDDCDF). Identifiers: Orphanet 562569, MedGen C5193024, MONDO:0032672, OMIM 618316.

gnomAD v4.1: 1 of 1,613,682 alleles (0.000062%); highest among the groups gnomAD compares: Non-Finnish European, 0.000085%; no homozygotes.

Submission:

Laboratorio de Genetica e Diagnostico Molecular, Hospital Israelita Albert Einstein
Classification: Uncertain significance for Intellectual developmental disorder with cardiac defects and dysmorphic facies. Last evaluated: 2025-05-05. Review status: criteria provided, single submitter. Criteria: ACMG Guidelines, 2015. Collection method: clinical testing. Allele origin: germline. Affected: yes.
Comment: ACMG classification criteria: PM2 supporting, PP3 supporting